The following is an entry in ClinVar:

ClinVar aggregate classification (germline): Conflicting classifications of pathogenicity. Review status: criteria provided, conflicting classifications (1 of 4 stars). 2 submissions from 2 submitters: Uncertain significance (1); Likely benign (1). Last evaluated 2026-01-05.

Conditions:
Intellectual developmental disorder, X-linked 1. Also called: Atkin Flaitz Patil Smith syndrome; MENTAL RETARDATION, X-LINKED 18; MENTAL RETARDATION, X-LINKED 78; Intellectual disability, X-linked 1. Identifiers: Orphanet 777, MedGen C2931498, MONDO:0010656, OMIM 309530.

Allele frequency attached by ClinVar (database versions not stated): gnomAD exomes 0.00001; gnomAD 0.00006; ExAC 0.00002; TOPMed 0.00002.
gnomAD v4.1: 9 of 1,204,728 alleles (0.00075%); highest among the groups gnomAD compares: African/African-American, 0.012%; no homozygotes.

Submissions (2):

Labcorp Genetics (formerly Invitae), Labcorp
Classification: Likely benign for Intellectual developmental disorder, X-linked 1. Last evaluated: 2026-01-05. Review status: criteria provided, single submitter. Criteria: Invitae Variant Classification Sherloc (09022015). Collection method: clinical testing. Allele origin: germline.

GeneDx
Classification: Uncertain significance. Last evaluated: 2025-07-11. Review status: criteria provided, single submitter. Criteria: GeneDx Variant Classification Process June 2021. Collection method: clinical testing. Allele origin: germline. Affected: yes.
Comment: In silico analysis supports that this missense variant has a deleterious effect on protein structure/function; Has not been previously published as pathogenic or benign to our knowledge; This variant is associated with the following publications: (PMID: 20473311)

NM_001111125.3(IQSEC2):c.3242C>T (p.Ala1081Val)

Gene: IQSEC2 (IQ motif and Sec7 domain ArfGEF 2; minus strand). Cytogenetic location: Xp11.22.
Variant type: single nucleotide variant.
Coding change: c.3242C>T on transcript NM_001111125.3 (MANE Select); coding-DNA position 3242, C replaced by T.
Protein change: p.Ala1081Val; replaces alanine 1081 with valine.
Molecular consequence: missense variant.
Genome position (GRCh38, 1-based): chrX:53,238,180, G>A on the plus strand (C>T on the coding strand, the complement: IQSEC2 is on the minus strand). VCF-style: chrX-53238180-G-A. GRCh37 (hg19) VCF-style: chrX-53267362-G-A.
Other names: c.2627C>T, p.Ala876Val (NM_015075.2); short protein forms A1081V, A876V.
Identifiers: ClinVar variation 1305330 (VCV001305330.12), dbSNP rs782715847, ClinGen allele CA10419832.